The following is an entry in ClinVar:

NM_000256.3(MYBPC3):c.2711_2737del (p.Tyr904_Gly912del)

Gene: MYBPC3 (myosin binding protein C3; minus strand). Cytogenetic location: 11p11.2.
Variant type: Deletion.
Coding change: c.2711_2737del on transcript NM_000256.3 (MANE Select); coding-DNA positions 2711 to 2737, 27 bases deleted (ACAGCGTGGAGTACTGCCCAGAGGGCT).
Protein change: p.Tyr904_Gly912del.
Molecular consequence: inframe deletion.
Genome position (GRCh38, 1-based): chr11:47,335,877-47,335,903, AGCCCTCTGGGCAGTACTCCACGCTGT deleted on the plus strand (ACAGCGTGGAGTACTGCCCAGAGGGCT on the coding strand, the reverse complement: MYBPC3 is on the minus strand); deleting any 27 consecutive bases within chr11:47,335,877-47,335,907 gives the same sequence; the c. name uses the placement nearest the transcript's 3' end. VCF-style (leftmost placement, unchanged base first): chr11-47335876-CAGCCCTCTGGGCAGTACTCCACGCTGT-C. GRCh37 (hg19) VCF-style: chr11-47357427-CAGCCCTCTGGGCAGTACTCCACGCTGT-C.
Identifiers: ClinVar variation 978729 (VCV000978729.2), dbSNP rs2095881732, ClinGen allele CA1139659401.
Genomic context (GRCh38, chr11:47,335,876, plus strand): 5'-TCAATGGCAAGGTGAGCATGTTCTTCCTTTGGGGAGGGGGGTTGGGGGCGGGGACACTCA[CAGCCCTCTGGGCAGTACTCCACGCTGT>C]AGCCATCCAGGCCTCCTGCTCCCACGCGCTCTGGGGGCCGCCACTTGAGGGAGACCGTGG-3'

ClinVar aggregate classification (germline): Likely pathogenic (1 of 4 stars; one submission).

Conditions:
Left ventricular noncompaction 10 (LVNC10). Identifiers: Orphanet 154, Orphanet 54260, MedGen C3715165, MONDO:0014163, OMIM 615396.
Hypertrophic cardiomyopathy 4. Also called: Familial hypertrophic cardiomyopathy 4. Identifiers: MedGen C1861862, MONDO:0007268, OMIM 115197.

Submission:

Center of Genetics and Reproductive Medicine "Genetico"
Classification: Likely pathogenic for Hypertrophic cardiomyopathy 4; Left ventricular noncompaction 10. Review status: criteria provided, single submitter. Criteria: ACMG Guidelines, 2015. Collection method: clinical testing. Allele origin: maternal. Affected: yes.
Comment: The variant was absent from large population studies and was predicted to be deleterious to the protein structure (PROVEAN) and to alter the gene splicing (GENOMNIS).